The following is an entry in ClinVar:

NM_006059.4(LAMC3):c.3181del (p.Asp1061fs)

Gene: LAMC3 (laminin subunit gamma 3; plus strand). Cytogenetic location: 9q34.12.
Variant type: Deletion.
Coding change: c.3181del on transcript NM_006059.4 (MANE Select); coding-DNA position 3181, one base deleted (G; older notation c.3181delG).
Protein change: p.Asp1061fs; shifts the reading frame from aspartic acid 1061.
Molecular consequence: frameshift variant.
Genome position (GRCh38, 1-based): chr9:131,071,595, G deleted; the last of 6 consecutive G bases (chr9:131,071,590-131,071,595); deleting any one gives the same sequence. VCF-style (leftmost placement, unchanged base first): chr9-131071589-AG-A. GRCh37 (hg19) VCF-style: chr9-133946976-AG-A.
Other names: short protein forms D1061fs.
Identifiers: ClinVar variation 504359 (VCV000504359.4), dbSNP rs1554789671, ClinGen allele CA658797307.
Genomic context (GRCh38, chr9:131,071,589, plus strand): 5'-CAAGGGTCCGACTGTGGCAGTCCCTGGGGACCACTAGACATTCTGCTGGGAGAGGCCCCA[AG>A]GGGGGACGTCTACCAGGGCCATCACCTGCTTCCAGGTACAGCAGGAGCGCAGAGCGGGAG-3'

ClinVar aggregate classification (germline): Pathogenic/Likely pathogenic. Review status: criteria provided, multiple submitters, no conflicts (2 of 4 stars). 2 submissions from 2 submitters: Pathogenic (1); Likely pathogenic (1). Last evaluated 2021-06-18.

Conditions:
Inborn genetic diseases. Identifiers: MedGen C0950123, MeSH D030342.

Submissions (2):

Ambry Genetics
Classification: Pathogenic for Inborn genetic diseases. Last evaluated: 2021-06-18. Review status: criteria provided, single submitter. Criteria: Ambry Variant Classification Scheme 2023. Collection method: clinical testing. Allele origin: germline.
Comment: The c.3181delG (p.D1061Tfs*20) alteration, located in exon 18 (coding exon 18) of the LAMC3 gene, consists of a deletion of one nucleotide at position 3181, causing a translational frameshift with a predicted alternate stop codon after 20 amino acids. This alteration is expected to result in loss of function by premature protein truncation or nonsense-mediated mRNA decay. Based on data from the Genome Aggregation Database (gnomAD), the LAMC3 c.3181delG alteration was not observed, with coverage at this position. Based on the available evidence, this alteration is classified as pathogenic.

GeneDx
Classification: Likely pathogenic. Last evaluated: 2018-03-02. Review status: criteria provided, single submitter. Criteria: GeneDx Variant Classification (06012015). Collection method: clinical testing. Allele origin: germline. Affected: yes.
Comment: The c.3181delG variant has not been published as a pathogenic variant, nor has it been reported as a benign variant to our knowledge. The c.3181delG variant is not observed in large population cohorts (Lek et al., 2016).The c.3181delG variant causes a frameshift starting with codon Aspartic acid 1061, changes this amino acid to a Threonine residue and creates a premature Stop codon at position 20 of the new reading frame, denoted p.Asp1061ThrfsX20. This variant is predicted to cause loss of normal protein function either through protein truncation or nonsense-mediated mRNA decay. Therefore, this variant is likely pathogenic; however, the possibility that it is benign cannot be excluded.